The following is an entry in ClinVar:

ClinVar aggregate classification (germline): Uncertain significance (1 of 4 stars; one submission).

Conditions:
Autosomal dominant hypocalcemia 1 (HYPOC1). Also called: HYPOCALCEMIA, FAMILIAL. Identifiers: MedGen C3715128, MONDO:0011013, OMIM 601198.
Familial hypocalciuric hypercalcemia (FHH). Also called: Familial benign hypercalcemia. Identifiers: Orphanet 405, MedGen C1809471, MONDO:0018458.

Submission:

Labcorp Genetics (formerly Invitae), Labcorp
Classification: Uncertain significance for Familial hypocalciuric hypercalcemia; Autosomal dominant hypocalcemia 1. Last evaluated: 2022-01-14. Review status: criteria provided, single submitter. Criteria: Invitae Variant Classification Sherloc (09022015). Collection method: clinical testing. Allele origin: germline.
Comment: In summary, the available evidence is currently insufficient to determine the role of this variant in disease. Therefore, it has been classified as a Variant of Uncertain Significance. Algorithms developed to predict the effect of missense changes on protein structure and function are either unavailable or do not agree on the potential impact of this missense change (SIFT: "Deleterious"; PolyPhen-2: "Benign"; Align-GVGD: "Class C55"). ClinVar contains an entry for this variant (Variation ID: 639931). This variant has not been reported in the literature in individuals affected with CASR-related conditions. This variant is not present in population databases (gnomAD no frequency). This sequence change replaces threonine, which is neutral and polar, with alanine, which is neutral and non-polar, at codon 732 of the CASR protein (p.Thr732Ala).

NM_000388.4(CASR):c.2194A>G (p.Thr732Ala)

Gene: CASR (calcium sensing receptor; plus strand). Cytogenetic location: 3q21.1.
Variant type: single nucleotide variant.
Coding change: c.2194A>G on transcript NM_000388.4 (MANE Select); coding-DNA position 2194, A replaced by G.
Protein change: p.Thr732Ala; replaces threonine 732 with alanine.
Molecular consequence: missense variant.
Genome position (GRCh38, 1-based): chr3:122,284,148, A>G. VCF-style: chr3-122284148-A-G. GRCh37 (hg19) VCF-style: chr3-122002995-A-G.
Other names: c.2224A>G, p.Thr742Ala (NM_001178065.2); short protein forms T732A, T742A.
Identifiers: ClinVar variation 639931 (VCV000639931.9), dbSNP rs1576877607, ClinGen allele CA354158972.